The following is an entry in ClinVar:

NM_058004.4(PI4KA):c.4838C>T (p.Ala1613Val)

Gene: PI4KA (phosphatidylinositol 4-kinase alpha; minus strand). Cytogenetic location: 22q11.21.
Variant type: single nucleotide variant.
Coding change: c.4838C>T on transcript NM_058004.4 (MANE Select); coding-DNA position 4838, C replaced by T.
Protein change: p.Ala1613Val; replaces alanine 1613 with valine.
Molecular consequence: missense variant.
Genome position (GRCh38, 1-based): chr22:20,727,333, G>A on the plus strand (C>T on the coding strand, the complement: PI4KA is on the minus strand). VCF-style: chr22-20727333-G-A. GRCh37 (hg19) VCF-style: chr22-21081621-G-A.
Other names: c.4745C>T, p.Ala1582Val (NM_001362862.2); c.4772C>T, p.Ala1591Val (NM_001362863.2); short protein forms A1582V, A1591V, A1613V.
Identifiers: ClinVar variation 4855403 (VCV004855403.1).

ClinVar aggregate classification (germline): Uncertain significance (1 of 4 stars; one submission).

Conditions:
Polymicrogyria, perisylvian, with cerebellar hypoplasia and arthrogryposis (NEDSPLB). Identifiers: MedGen C4225295, MONDO:0014679, OMIM 616531.

gnomAD v4.1: 82 of 1,612,820 alleles (0.0051%); highest among the groups gnomAD compares: East Asian, 0.016%; no homozygotes.

Submission:

3billion
Classification: Uncertain significance for Polymicrogyria, perisylvian, with cerebellar hypoplasia and arthrogryposis. Last evaluated: 2025-10-27. Review status: criteria provided, single submitter. Criteria: ACMG Guidelines, 2015. Collection method: clinical testing. Allele origin: germline. Affected: yes.
Comment: The variant is observed at an extremely low frequency in the gnomAD v4.1.0 dataset (total allele frequency: 0.005%). Predicted Consequence/Location: Missense variant In silico tool prediction suggests damaging effect of the variant on gene or gene product [3Cnet: 0.75 (damaging >0.75, benign <0.1)]. Therefore, this variant is classified as VUS according to the recommendation of ACMG/AMP guideline.